The following is an entry in ClinVar:

NM_000489.6(ATRX):c.2972A>G (p.Glu991Gly)

Gene: ATRX (ATRX chromatin remodeler; minus strand). Cytogenetic location: Xq21.1.
Variant type: single nucleotide variant.
Coding change: c.2972A>G on transcript NM_000489.6 (MANE Select); coding-DNA position 2972, A replaced by G.
Protein change: p.Glu991Gly; replaces glutamic acid 991 with glycine.
Molecular consequence: missense variant.
Genome position (GRCh38, 1-based): chrX:77,682,284, T>C on the plus strand (A>G on the coding strand, the complement: ATRX is on the minus strand). VCF-style: chrX-77682284-T-C. GRCh37 (hg19) VCF-style: chrX-76937776-T-C.
Other names: c.2858A>G, p.Glu953Gly (NM_138270.5); short protein forms E991G, E953G.
Identifiers: ClinVar variation 2124776 (VCV002124776.4), dbSNP rs2519917218, ClinGen allele CA413709156.

ClinVar aggregate classification (germline): Uncertain significance (1 of 4 stars; one submission).

Conditions:
Alpha thalassemia-X-linked intellectual disability syndrome (ATRX). Also called: ALPHA-THALASSEMIA/MENTAL RETARDATION SYNDROME, X-LINKED; ATR, NONDELETION TYPE; ATR-X syndrome; Alpha thalassemia mental retardation syndrome, nondeletion type, X-linked; XLMR hypotonic face syndrome; X-linked alpha-thalassemia-mental retardation syndrome. Identifiers: Orphanet 847, MedGen C1845055, MONDO:0010519, OMIM 301040.

Submission:

Labcorp Genetics (formerly Invitae), Labcorp
Classification: Uncertain significance for Alpha thalassemia-X-linked intellectual disability syndrome. Last evaluated: 2022-05-12. Review status: criteria provided, single submitter. Criteria: Invitae Variant Classification Sherloc (09022015). Collection method: clinical testing. Allele origin: germline.
Comment: In summary, the available evidence is currently insufficient to determine the role of this variant in disease. Therefore, it has been classified as a Variant of Uncertain Significance. Advanced modeling of protein sequence and biophysical properties (such as structural, functional, and spatial information, amino acid conservation, physicochemical variation, residue mobility, and thermodynamic stability) performed at Invitae indicates that this missense variant is not expected to disrupt ATRX protein function. This variant has not been reported in the literature in individuals affected with ATRX-related conditions. This variant is not present in population databases (gnomAD no frequency). This sequence change replaces glutamic acid, which is acidic and polar, with glycine, which is neutral and non-polar, at codon 991 of the ATRX protein (p.Glu991Gly).